The following is an entry in ClinVar:

ClinVar aggregate classification (germline): Uncertain significance (1 of 4 stars; one submission).

Submission:

Labcorp Genetics (formerly Invitae), Labcorp
Classification: Uncertain significance. Last evaluated: 2025-05-11. Review status: criteria provided, single submitter. Criteria: Invitae Variant Classification Sherloc (09022015). Collection method: clinical testing. Allele origin: germline.
Comment: This sequence change replaces glutamic acid, which is acidic and polar, with glutamine, which is neutral and polar, at codon 855 of the DCHS1 protein (p.Glu855Gln). This variant is not present in population databases (gnomAD no frequency). This variant has not been reported in the literature in individuals affected with DCHS1-related conditions. Invitae Evidence Modeling of protein sequence and biophysical properties (such as structural, functional, and spatial information, amino acid conservation, physicochemical variation, residue mobility, and thermodynamic stability) indicates that this missense variant is not expected to disrupt DCHS1 protein function with a negative predictive value of 80%. In summary, the available evidence is currently insufficient to determine the role of this variant in disease. Therefore, it has been classified as a Variant of Uncertain Significance.

NM_003737.4(DCHS1):c.2563G>C (p.Glu855Gln)

Gene: DCHS1 (dachsous cadherin-related 1; minus strand). Cytogenetic location: 11p15.4.
Variant type: single nucleotide variant.
Coding change: c.2563G>C on transcript NM_003737.4 (MANE Select); coding-DNA position 2563, G replaced by C.
Protein change: p.Glu855Gln; replaces glutamic acid 855 with glutamine.
Molecular consequence: missense variant.
Genome position (GRCh38, 1-based): chr11:6,632,949, C>G on the plus strand (G>C on the coding strand, the complement: DCHS1 is on the minus strand). VCF-style: chr11-6632949-C-G. GRCh37 (hg19) VCF-style: chr11-6654180-C-G.
Other names: short protein forms E855Q.
Identifiers: ClinVar variation 4769632 (VCV004769632.1).